The following is an entry in ClinVar:

NM_000038.6(APC):c.345G>A (p.Met115Ile)

Gene: APC (APC regulator of Wnt signaling pathway; plus strand). Cytogenetic location: 5q22.2.
Variant type: single nucleotide variant.
Coding change: c.345G>A on transcript NM_000038.6 (MANE Select); coding-DNA position 345, G replaced by A.
Protein change: p.Met115Ile; replaces methionine 115 with isoleucine.
Molecular consequence: missense variant. On other transcripts: 5 prime UTR variant (4), non-coding transcript variant (2).
Genome position (GRCh38, 1-based): chr5:112,767,313, G>A. VCF-style: chr5-112767313-G-A. GRCh37 (hg19) VCF-style: chr5-112103010-G-A.
Other names: c.345G>A, p.Met115Ile (NM_001127510.3, NM_001354895.2, NM_001354896.2 and 16 more transcripts); c.375G>A, p.Met125Ile (NM_001127511.3, NM_001354897.2, NM_001354902.2 and 1 more transcripts); c.270G>A, p.Met90Ile (NM_001354898.2, NM_001354904.2, NM_001407451.1); c.168G>A, p.Met56Ile (NM_001354900.2, NM_001354901.2, NM_001354905.2 and 1 more transcripts); c.-691G>A (NM_001354906.2, NM_001407470.1, NM_001407471.1 and 1 more transcripts); short protein forms M115I, M56I, M125I, M90I.
Identifiers: ClinVar variation 3928103 (VCV003928103.1).

ClinVar aggregate classification (germline): Uncertain significance (1 of 4 stars; one submission).

Conditions:
Hereditary cancer-predisposing syndrome. Also called: Hereditary Cancer Syndrome; Hereditary neoplastic syndrome; Neoplastic Syndromes, Hereditary; Tumor predisposition. Identifiers: Orphanet 140162, MedGen C0027672, MeSH D009386, MONDO:0015356.

Submission:

Ambry Genetics
Classification: Uncertain significance for Hereditary cancer-predisposing syndrome. Last evaluated: 2025-03-22. Review status: criteria provided, single submitter. Criteria: Ambry Variant Classification Scheme 2023. Collection method: clinical testing. Allele origin: germline.
Comment: The p.M115I variant (also known as c.345G>A), located in coding exon 3 of the APC gene, results from a G to A substitution at nucleotide position 345. The methionine at codon 115 is replaced by isoleucine, an amino acid with highly similar properties. This amino acid position is conserved. In addition, in silico predictors for this gene do not accurately predict pathogenicity. Based on the available evidence, the clinical significance of this variant remains unclear.